The following is an entry in ClinVar:

NM_015166.4(MLC1):c.367A>G (p.Thr123Ala)

Gene: MLC1 (modulator of VRAC current 1; minus strand). Cytogenetic location: 22q13.33.
Variant type: single nucleotide variant.
Coding change: c.367A>G on transcript NM_015166.4 (MANE Select); coding-DNA position 367, A replaced by G.
Protein change: p.Thr123Ala; replaces threonine 123 with alanine.
Molecular consequence: missense variant. On other transcripts: non-coding transcript variant (3), intron variant (3).
Genome position (GRCh38, 1-based): chr22:50,079,974, T>C on the plus strand (A>G on the coding strand, the complement: MLC1 is on the minus strand). VCF-style: chr22-50079974-T-C. GRCh37 (hg19) VCF-style: chr22-50518403-T-C.
Other names: c.367A>G, p.Thr123Ala (NM_001376472.1, NM_001376473.1, NM_001376474.1 and 6 more transcripts); c.277A>G, p.Thr93Ala (NM_001376480.1); c.130A>G, p.Thr44Ala (NM_001376484.1); c.268-2472A>G (NM_001376482.1, NM_001376483.1); c.321+370A>G (NM_001376481.1); short protein forms T44A, T93A, T123A.
Identifiers: ClinVar variation 2121578 (VCV002121578.4), dbSNP rs1035837075, ClinGen allele CA325495953.

ClinVar aggregate classification (germline): Uncertain significance (1 of 4 stars; one submission).

Allele frequency attached by ClinVar (database versions not stated): gnomAD exomes below 0.00001; TOPMed below 0.00001.

Submission:

Labcorp Genetics (formerly Invitae), Labcorp
Classification: Uncertain significance. Last evaluated: 2022-04-04. Review status: criteria provided, single submitter. Criteria: Invitae Variant Classification Sherloc (09022015). Collection method: clinical testing. Allele origin: germline.
Comment: This sequence change replaces threonine, which is neutral and polar, with alanine, which is neutral and non-polar, at codon 123 of the MLC1 protein (p.Thr123Ala). This variant is present in population databases (no rsID available, gnomAD 0.0009%). This variant has not been reported in the literature in individuals affected with MLC1-related conditions. Algorithms developed to predict the effect of missense changes on protein structure and function (SIFT, PolyPhen-2, Align-GVGD) all suggest that this variant is likely to be disruptive. In summary, the available evidence is currently insufficient to determine the role of this variant in disease. Therefore, it has been classified as a Variant of Uncertain Significance.